The following is an entry in ClinVar:

ClinVar aggregate classification (germline): Uncertain significance (1 of 4 stars; one submission).

Conditions:
Multiple endocrine neoplasia type 4. Also called: MULTIPLE ENDOCRINE NEOPLASIA, TYPE IV. Identifiers: Orphanet 276152, MedGen C1970712, MONDO:0012552, OMIM 610755.

Submission:

Labcorp Genetics (formerly Invitae), Labcorp
Classification: Uncertain significance for Multiple endocrine neoplasia type 4. Last evaluated: 2018-11-15. Review status: criteria provided, single submitter. Criteria: Invitae Variant Classification Sherloc (09022015). Collection method: clinical testing. Allele origin: germline.
Comment: This variant is not present in population databases (ExAC no frequency). This sequence change disrupts the translational stop signal of the CDKN1B mRNA. It is expected to extend the length of the CDKN1B protein by 1 additional amino acid residues. This variant has not been reported in the literature in individuals with CDKN1B-related disease. Experimental studies and prediction algorithms are not available for this variant, and the functional significance of the affected amino acid(s) is currently unknown. In summary, the available evidence is currently insufficient to determine the role of this variant in disease. Therefore, it has been classified as a Variant of Uncertain Significance.

NM_004064.5(CDKN1B):c.594_596delinsTGTTT (p.Ter199ValextTer?)

Gene: CDKN1B (cyclin dependent kinase inhibitor 1B; plus strand). Cytogenetic location: 12p13.1.
Variant type: Indel.
Coding change: c.594_596delinsTGTTT on transcript NM_004064.5 (MANE Select); coding-DNA positions 594 to 596, GTA replaced by TGTTT.
Protein change: p.Ter199ValextTer?.
Molecular consequence: frameshift variant.
Genome position (GRCh38, 1-based): chr12:12,718,943-12,718,945, GTA replaced by TGTTT. VCF-style: chr12-12718943-GTA-TGTTT. GRCh37 (hg19) VCF-style: chr12-12871877-GTA-TGTTT.
Identifiers: ClinVar variation 653958 (VCV000653958.5), dbSNP rs1592281823, ClinGen allele CA915947921.